The following is an entry in ClinVar:

NM_001130965.3(SUN1):c.1595A>G (p.Gln532Arg)

Gene: SUN1 (Sad1 and UNC84 domain containing 1; plus strand). Cytogenetic location: 7p22.3.
Variant type: single nucleotide variant.
Coding change: c.1595A>G on transcript NM_001130965.3 (MANE Select); coding-DNA position 1595, A replaced by G.
Protein change: p.Gln532Arg; replaces glutamine 532 with arginine.
Molecular consequence: missense variant. On other transcripts: non-coding transcript variant (3).
Genome position (GRCh38, 1-based): chr7:860,198, A>G. VCF-style: chr7-860198-A-G. GRCh37 (hg19) VCF-style: chr7-899835-A-G.
Other names: c.1787A>G, p.Gln596Arg (NM_001367643.1); c.1526A>G, p.Gln509Arg (NM_001367644.1); c.1643A>G, p.Gln548Arg (NM_001367645.1, NM_001367681.1); c.1724A>G, p.Gln575Arg (NM_001367646.1); c.1637A>G, p.Gln546Arg (NM_001367647.1, NM_001367668.1); c.1457A>G, p.Gln486Arg (NM_001367648.1); c.1640A>G, p.Gln547Arg (NM_001367649.1); c.2009A>G, p.Gln670Arg (NM_001367651.1); and 43 more; short protein forms Q481R, Q521R, Q527R, Q560R, Q569R, Q576R, Q602R, Q634R.
Identifiers: ClinVar variation 3662587 (VCV003662587.2).

ClinVar aggregate classification (germline): Uncertain significance (1 of 4 stars; one submission).

Conditions:
Emery-Dreifuss muscular dystrophy (EDMD). Also called: Scapuloperoneal syndrome, X-linked (formerly); Humeroperoneal neuromuscular disease, (formerly). Identifiers: Orphanet 261, MedGen C0410189, MONDO:0016830.

Submission:

Labcorp Genetics (formerly Invitae), Labcorp
Classification: Uncertain significance for Emery-Dreifuss muscular dystrophy. Last evaluated: 2025-06-23. Review status: criteria provided, single submitter. Criteria: Invitae Variant Classification Sherloc (09022015). Collection method: clinical testing. Allele origin: germline.
Comment: This sequence change replaces glutamine, which is neutral and polar, with arginine, which is basic and polar, at codon 532 of the SUN1 protein (p.Gln532Arg). This variant is not present in population databases (gnomAD no frequency). This variant has not been reported in the literature in individuals affected with SUN1-related conditions. ClinVar contains an entry for this variant (Variation ID: 3662587). An algorithm developed to predict the effect of missense changes on protein structure and function (PolyPhen-2) suggests that this variant is likely to be tolerated. In summary, the available evidence is currently insufficient to determine the role of this variant in disease. Therefore, it has been classified as a Variant of Uncertain Significance.